The following is an entry in ClinVar:

ClinVar aggregate classification (germline): Benign/Likely benign. Review status: criteria provided, multiple submitters, no conflicts (2 of 4 stars). 4 submissions from 4 submitters: Benign (1); Likely benign (3). Last evaluated 2024-09-03.

Conditions:
Familial cancer of breast. Also called: BREAST CANCER, FAMILIAL; Hereditary breast cancer; hereditary breast carcinoma. Identifiers: Orphanet 227535, MedGen C0346153, MONDO:0016419, OMIM 114480. Disease mechanism: loss of function.
Hereditary cancer-predisposing syndrome. Also called: Neoplastic Syndromes, Hereditary; Tumor predisposition; Hereditary neoplastic syndrome; Hereditary Cancer Syndrome. Identifiers: Orphanet 140162, MedGen C0027672, MeSH D009386, MONDO:0015356.
Fanconi anemia complementation group J. Also called: BRIP1-Related Fanconi Anemia. Identifiers: Orphanet 84, MedGen C1836860, MONDO:0012187, OMIM 609054.

Submissions (4):

Myriad Genetics, Inc.
Classification: Benign for Familial cancer of breast. Last evaluated: 2024-09-03. Review status: criteria provided, single submitter. Criteria: Myriad Autosomal Dominant, Autosomal Recessive and X-Linked Classification Criteria (2023). Collection method: clinical testing. Allele origin: unknown.
Comment: This variant is considered benign. This variant is a silent/synonymous amino acid change and it is not expected to impact splicing.

Labcorp Genetics (formerly Invitae), Labcorp
Classification: Likely benign for Familial cancer of breast; Fanconi anemia complementation group J. Last evaluated: 2022-12-06. Review status: criteria provided, single submitter. Criteria: Invitae Variant Classification Sherloc (09022015). Collection method: clinical testing. Allele origin: germline.

Ambry Genetics
Classification: Likely benign for Hereditary cancer-predisposing syndrome. Last evaluated: 2020-09-21. Review status: criteria provided, single submitter. Criteria: Ambry Variant Classification Scheme 2023. Collection method: clinical testing. Allele origin: germline.

GeneDx
Classification: Likely benign. Last evaluated: 2018-05-03. Review status: criteria provided, single submitter. Criteria: GeneDx Variant Classification (06012015). Collection method: clinical testing. Allele origin: germline. Affected: yes.
Comment: This variant is considered likely benign or benign based on one or more of the following criteria: it is a conservative change, it occurs at a poorly conserved position in the protein, it is predicted to be benign by multiple in silico algorithms, and/or has population frequency not consistent with disease.

NM_032043.3(BRIP1):c.1983T>C (p.Cys661=)

Gene: BRIP1 (BRCA1 interacting DNA helicase 1; minus strand). Cytogenetic location: 17q23.2.
Variant type: single nucleotide variant.
Coding change: c.1983T>C on transcript NM_032043.3 (MANE Select); coding-DNA position 1983, T replaced by C.
Protein change: p.Cys661=; no amino-acid change (cysteine 661 retained).
Molecular consequence: synonymous variant.
Genome position (GRCh38, 1-based): chr17:61,776,515, A>G on the plus strand (T>C on the coding strand, the complement: BRIP1 is on the minus strand). VCF-style: chr17-61776515-A-G. GRCh37 (hg19) VCF-style: chr17-59853876-A-G.
Identifiers: ClinVar variation 668216 (VCV000668216.7), dbSNP rs1603328829, ClinGen allele CA501150186.